The following is an entry in ClinVar:

ClinVar aggregate classification (germline): Benign/Likely benign. Review status: criteria provided, multiple submitters, no conflicts (2 of 4 stars). 7 submissions from 7 submitters: Benign (5); Likely benign (2). Last evaluated 2026-01-28.

Conditions:
Combined immunodeficiency due to LRBA deficiency. Also called: Common variable immunodeficiency 8, with autoimmunity. Identifiers: Orphanet 445018, MedGen C3553512, MONDO:0013863, OMIM 614700.

Allele frequency attached by ClinVar (database versions not stated): gnomAD exomes 0.00073 and 0.00195; ExAC 0.00224; 1000 Genomes Project 0.00619; 1000 Genomes Project 30x 0.00671; gnomAD 0.00751 and 0.00815; TOPMed 0.00872; ESP Exome Variant Server 0.00884.
gnomAD v4.1: 2,282 of 1,614,092 alleles (0.14%); highest among the groups gnomAD compares: African/African-American, 2.6%; 24 homozygotes.

Submissions (8):

Labcorp Genetics (formerly Invitae), Labcorp
Classification: Benign for Combined immunodeficiency due to LRBA deficiency. Last evaluated: 2026-01-28. Review status: criteria provided, single submitter. Criteria: Invitae Variant Classification Sherloc (09022015). Collection method: clinical testing. Allele origin: germline.

Women's Health and Genetics/Laboratory Corporation of America, LabCorp
Classification: Benign. Last evaluated: 2026-01-22. Review status: criteria provided, single submitter. Criteria: LabCorp Variant Classification Summary - May 2015. Collection method: clinical testing. Allele origin: germline.

Mayo Clinic Laboratories, Mayo Clinic
Classification: Likely benign. Last evaluated: 2025-06-04. Review status: criteria provided, single submitter. Criteria: ACMG Guidelines, 2015. Collection method: clinical testing. Allele origin: germline. Observed: 8 variant alleles.
Comment: BS1, BP4, BP7

Blueprint Genetics
Classification: Likely benign. Last evaluated: 2024-10-07. Review status: criteria provided, single submitter. Criteria: ACMG Guidelines, 2015. Collection method: clinical testing. Allele origin: germline.

ARUP Laboratories, Molecular Genetics and Genomics, ARUP Laboratories
Classification: Benign for Combined immunodeficiency due to LRBA deficiency. Last evaluated: 2023-10-11. Review status: criteria provided, single submitter. Criteria: ARUP Molecular Germline Variant Investigation Process 2024. Collection method: clinical testing. Allele origin: germline.

Genetic Services Laboratory, University of Chicago
Classification: Benign. Last evaluated: 2021-11-15. Review status: criteria provided, single submitter. Criteria: ACMG Guidelines, 2015. Collection method: clinical testing. Allele origin: germline. Affected: no.

Breakthrough Genomics
Classification: Benign. Review status: criteria provided, single submitter. Criteria: ACMG Guidelines, 2015. Collection method: not provided. Allele origin: germline. Inheritance: Autosomal recessive inheritance. Affected: yes.

Dr. Peter K. Rogan Lab, Western University
No classification provided (evidence only). Condition: Ovarian serous cystadenocarcinoma. Review status: no classification provided. Collection method: in vitro. Allele origin: not applicable. Functional consequence: retained intron. Not counted in ClinVar's aggregate classification.

NM_001364905.1(LRBA):c.5100G>T (p.Leu1700=)

Gene: LRBA (LPS responsive beige-like anchor protein; minus strand). Cytogenetic location: 4q31.3.
Variant type: single nucleotide variant.
Coding change: c.5100G>T on transcript NM_001364905.1 (MANE Select); coding-DNA position 5100, G replaced by T.
Protein change: p.Leu1700=; no amino-acid change (leucine 1700 retained).
Molecular consequence: synonymous variant.
Genome position (GRCh38, 1-based): chr4:150,828,251, C>A on the plus strand (G>T on the coding strand, the complement: LRBA is on the minus strand). VCF-style: chr4-150828251-C-A. GRCh37 (hg19) VCF-style: chr4-151749403-C-A.
Other names: p.Leu1700=; c.5100G>T, p.Leu1700= (NM_001199282.3, NM_001367550.1, NM_006726.5).
Identifiers: ClinVar variation 473180 (VCV000473180.20), dbSNP rs61741557, ClinGen allele CA3102580.